The following is an entry in ClinVar:

ClinVar aggregate classification (germline): Likely benign (1 of 4 stars; one submission).

gnomAD v4.1: 179 of 1,612,298 alleles (0.011%); highest among the groups gnomAD compares: South Asian, 0.1%; 2 homozygotes.

Submission:

Mayo Clinic Laboratories, Mayo Clinic
Classification: Likely benign. Last evaluated: 2025-12-02. Review status: criteria provided, single submitter. Criteria: ACMG Guidelines, 2015. Collection method: clinical testing. Allele origin: germline. Observed: 2 variant alleles.
Comment: BP4, BP7

NM_003126.4(SPTA1):c.3896+24G>A

Gene: SPTA1 (spectrin alpha, erythrocytic 1; minus strand). Cytogenetic location: 1q23.1.
Variant type: single nucleotide variant.
Coding change: c.3896+24G>A on transcript NM_003126.4 (MANE Select); 24 bases into the intron after coding-DNA position 3896, G replaced by A.
Molecular consequence: intron variant.
Genome position (GRCh38, 1-based): chr1:158,647,515, C>T on the plus strand (G>A on the coding strand, the complement: SPTA1 is on the minus strand). VCF-style: chr1-158647515-C-T. GRCh37 (hg19) VCF-style: chr1-158617305-C-T.
Other names: p.?.
Identifiers: ClinVar variation 4683617 (VCV004683617.1).